The following is an entry in ClinVar:

NM_018389.5(SLC35C1):c.476A>G (p.Tyr159Cys)

Gene: SLC35C1 (solute carrier family 35 member C1; plus strand). Cytogenetic location: 11p11.2.
Variant type: single nucleotide variant.
Coding change: c.476A>G on transcript NM_018389.5 (MANE Select); coding-DNA position 476, A replaced by G.
Protein change: p.Tyr159Cys; replaces tyrosine 159 with cysteine.
Molecular consequence: missense variant.
Genome position (GRCh38, 1-based): chr11:45,806,277, A>G. VCF-style: chr11-45806277-A-G. GRCh37 (hg19) VCF-style: chr11-45827828-A-G.
Other names: c.437A>G, p.Tyr146Cys (NM_001145265.2, NM_001145266.2); short protein forms Y159C, Y146C.
Identifiers: ClinVar variation 391721 (VCV000391721.2), dbSNP rs756982723, ClinGen allele CA5958248.

ClinVar aggregate classification (germline): Uncertain significance (1 of 4 stars; one submission).

Allele frequency attached by ClinVar (database versions not stated): TOPMed 0.00001; gnomAD 0.00001; ExAC 0.00002; gnomAD exomes 0.00001.

Submission:

GeneDx
Classification: Uncertain significance. Last evaluated: 2016-12-23. Review status: criteria provided, single submitter. Criteria: GeneDx Variant Classification (06012015). Collection method: clinical testing. Allele origin: germline. Affected: yes.
Comment: The Y159C variant in the SLC35C1 gene has not been reported previously as a pathogenic variant, nor as a benign variant, to our knowledge. The Y159C variant was not observed in approximately 6,500 individuals of European and African American ancestry in the NHLBI Exome Sequencing Project, indicating it is not a common benign variant in these populations. The Y159C variant is a non-conservative amino acid substitution, which is likely to impact secondary protein structure as these residues differ in polarity, charge, size and/or other properties. This substitution occurs at a position that is conserved in mammals. In silico analysis predicts this variant is probably damaging to the protein structure/function. We interpret Y159C as a variant of uncertain significance.